The following is an entry in ClinVar:

NM_000744.7(CHRNA4):c.1777T>G (p.Tyr593Asp)

Gene: CHRNA4 (cholinergic receptor nicotinic alpha 4 subunit; minus strand). Cytogenetic location: 20q13.33.
Variant type: single nucleotide variant.
Coding change: c.1777T>G on transcript NM_000744.7 (MANE Select); coding-DNA position 1777, T replaced by G.
Protein change: p.Tyr593Asp; replaces tyrosine 593 with aspartic acid.
Molecular consequence: missense variant. On other transcripts: non-coding transcript variant (1).
Genome position (GRCh38, 1-based): chr20:63,346,845, A>C on the plus strand (T>G on the coding strand, the complement: CHRNA4 is on the minus strand). VCF-style: chr20-63346845-A-C. GRCh37 (hg19) VCF-style: chr20-61978197-A-C.
Other names: c.1249T>G, p.Tyr417Asp (NM_001256573.2); short protein forms Y593D, Y417D.
Identifiers: ClinVar variation 2809844 (VCV002809844.3), dbSNP rs1171965869, ClinGen allele CA409631282.

ClinVar aggregate classification (germline): Uncertain significance (1 of 4 stars; one submission).

Conditions:
Familial sleep-related hypermotor epilepsy. Also called: Autosomal Dominant Sleep-Related Hypermotor (Hyperkinetic) Epilepsy. Identifiers: Orphanet 98784, MedGen C3696898, MONDO:0000030.

Allele frequency attached by ClinVar (database versions not stated): TOPMed 0.00001; gnomAD 0.00001.
gnomAD v4.1: 2 of 1,612,538 alleles (0.00012%); highest among the groups gnomAD compares: African/African-American, 0.0013%; no homozygotes.

Submission:

Labcorp Genetics (formerly Invitae), Labcorp
Classification: Uncertain significance. Last evaluated: 2022-10-26. Review status: criteria provided, single submitter. Criteria: Invitae Variant Classification Sherloc (09022015). Collection method: clinical testing. Allele origin: germline.
Comment: This variant has not been reported in the literature in individuals affected with CHRNA4-related conditions. This variant is not present in population databases (gnomAD no frequency). This sequence change replaces tyrosine, which is neutral and polar, with aspartic acid, which is acidic and polar, at codon 593 of the CHRNA4 protein (p.Tyr593Asp). In summary, the available evidence is currently insufficient to determine the role of this variant in disease. Therefore, it has been classified as a Variant of Uncertain Significance. Algorithms developed to predict the effect of missense changes on protein structure and function (SIFT, PolyPhen-2, Align-GVGD) all suggest that this variant is likely to be disruptive.